The following is an entry in ClinVar:

NM_032638.5(GATA2):c.264C>G (p.His88Gln)

Gene: GATA2 (GATA binding protein 2; minus strand). Cytogenetic location: 3q21.3.
Variant type: single nucleotide variant.
Coding change: c.264C>G on transcript NM_032638.5 (MANE Select); coding-DNA position 264, C replaced by G.
Protein change: p.His88Gln; replaces histidine 88 with glutamine.
Molecular consequence: missense variant.
Genome position (GRCh38, 1-based): chr3:128,486,334, G>C on the plus strand (C>G on the coding strand, the complement: GATA2 is on the minus strand). VCF-style: chr3-128486334-G-C. GRCh37 (hg19) VCF-style: chr3-128205177-G-C.
Other names: c.264C>G, p.His88Gln (NM_001145662.1, NM_001145661.2); short protein forms H88Q.
Identifiers: ClinVar variation 5022187 (VCV005022187.1).

ClinVar aggregate classification (germline): Uncertain significance (1 of 4 stars; one submission).

Conditions:
Inborn genetic diseases. Identifiers: MedGen C0950123, MeSH D030342.

Submission:

Ambry Genetics
Classification: Uncertain significance for Inborn genetic diseases. Last evaluated: 2026-07-02. Review status: criteria provided, single submitter. Criteria: Ambry Variant Classification Scheme 2023. Collection method: clinical testing. Allele origin: germline.
Comment: The p.H88Q variant (also known as c.264C>G), located in coding exon 2 of the GATA2 gene, results from a C to G substitution at nucleotide position 264. The histidine at codon 88 is replaced by glutamine, an amino acid with highly similar properties. This amino acid position is conserved. In addition, the in silico prediction for this alteration is inconclusive. Based on the available evidence, the clinical significance of this variant remains unclear.